The following is an entry in ClinVar:

NM_058195.4(CDKN2A):c.187A>C (p.Arg63=)

Gene: CDKN2A (cyclin dependent kinase inhibitor 2A; minus strand). Cytogenetic location: 9p21.3.
Variant type: single nucleotide variant.
Coding change: c.187A>C on transcript NM_058195.4 (MANE Plus Clinical); coding-DNA position 187, A replaced by C.
Protein change: p.Arg63=; no amino-acid change (arginine 63 retained).
Molecular consequence: synonymous variant. On other transcripts: intron variant (1).
Genome position (GRCh38, 1-based): chr9:21,994,145, T>G on the plus strand (A>C on the coding strand, the complement: CDKN2A is on the minus strand). VCF-style: chr9-21994145-T-G. GRCh37 (hg19) VCF-style: chr9-21994144-T-G.
Other names: c.-4+676A>C (NM_001363763.2).
Identifiers: ClinVar variation 485511 (VCV000485511.15), dbSNP rs1190780216, ClinGen allele CA464100251.
Genomic context (GRCh38, chr9:21,994,145, plus strand): 5'-ACCAAACAAAACAAGTGCCGAATGCGCCCCGGACTTTTCGAGGGCCTTTCCTACCTGGTC[T>G]TCTAGGAAGCGGCTGCTGCCCTAGACGCTGGCTCCTCAGTAGCATCAGCACGAGGGCCAC-3'
Protein context (NP_478102.2, residues 53-73): QRLGQQPLPR[Arg63=]PGHDDGQRPS

ClinVar aggregate classification (germline): Conflicting classifications of pathogenicity. Review status: criteria provided, conflicting classifications (1 of 4 stars). 5 submissions from 5 submitters: Uncertain significance (1); Benign (1); Likely benign (3). Last evaluated 2025-08-12.

Conditions:
Familial melanoma. Also called: Hereditary melanoma; Hereditary cutaneous melanoma. Identifiers: Orphanet 618, MedGen C1512419, MONDO:0018961.
Hereditary cancer-predisposing syndrome. Also called: Neoplastic Syndromes, Hereditary; Hereditary Cancer Syndrome; Tumor predisposition; Hereditary neoplastic syndrome. Identifiers: Orphanet 140162, MedGen C0027672, MeSH D009386, MONDO:0015356.
CDKN2A-related disorder. Also called: CDKN2A-related condition.
Melanoma-pancreatic cancer syndrome. Identifiers: Orphanet 404560, MedGen C1838547, MONDO:0011713, OMIM 606719. Disease mechanism: loss of function.

Allele frequency attached by ClinVar (database versions not stated): gnomAD 0.00001.
gnomAD v4.1: 1 of 1,601,282 alleles (0.000062%); no homozygotes.

Submissions (5):

Myriad Genetics, Inc.
Classification: Benign for Melanoma-pancreatic cancer syndrome. Last evaluated: 2025-08-12. Review status: criteria provided, single submitter. Criteria: Myriad Autosomal Dominant, Autosomal Recessive and X-Linked Classification Criteria (2023). Collection method: clinical testing. Allele origin: unknown.
Comment: This variant is considered benign. This variant is a silent/synonymous amino acid change and it is not expected to impact splicing.

PreventionGenetics, part of Exact Sciences
Classification: Likely benign for CDKN2A-related condition. Last evaluated: 2025-03-18. Review status: criteria provided, single submitter. Criteria: ACMG Guidelines, 2015. Collection method: clinical testing. Allele origin: germline.
Comment: This variant is classified as likely benign based on ACMG/AMP sequence variant interpretation guidelines (Richards et al. 2015 PMID: 25741868, with internal and published modifications).

GeneDx
Classification: Uncertain significance. Last evaluated: 2024-01-17. Review status: criteria provided, single submitter. Criteria: GeneDx Variant Classification Process June 2021. Collection method: clinical testing. Allele origin: germline. Affected: yes.
Comment: Not observed at significant frequency in large population cohorts (gnomAD); In silico analysis supports that this variant does not alter splicing; Has not been previously published as pathogenic or benign to our knowledge; Reported using an alternate transcript of the gene

Labcorp Genetics (formerly Invitae), Labcorp
Classification: Likely benign for Familial melanoma. Last evaluated: 2021-05-25. Review status: criteria provided, single submitter. Criteria: Invitae Variant Classification Sherloc (09022015). Collection method: clinical testing. Allele origin: germline.

Ambry Genetics
Classification: Likely benign for Hereditary cancer-predisposing syndrome. Last evaluated: 2016-07-20. Review status: criteria provided, single submitter. Criteria: Ambry Variant Classification Scheme 2023. Collection method: clinical testing. Allele origin: germline.